The following is an entry in ClinVar:

NM_001267550.2(TTN):c.84398A>G (p.Asn28133Ser)

Genes: TTN (titin; minus strand), TTN-AS1 (TTN antisense RNA 1; plus strand). Cytogenetic location: 2q31.2.
Variant type: single nucleotide variant.
Coding change: c.84398A>G on transcript NM_001267550.2 (MANE Select); coding-DNA position 84398, A replaced by G.
Protein change: p.Asn28133Ser; replaces asparagine 28133 with serine.
Molecular consequence: missense variant.
Genome position (GRCh38, 1-based): chr2:178,561,734, T>C on the plus strand (A>G on the coding strand, the complement: TTN is on the minus strand). VCF-style: chr2-178561734-T-C. GRCh37 (hg19) VCF-style: chr2-179426461-T-C.
Other names: c.76694A>G, p.Asn25565Ser (NM_133378.4); c.79475A>G, p.Asn26492Ser (NM_001256850.1); c.57203A>G, p.Asn19068Ser (NM_003319.4); c.57578A>G, p.Asn19193Ser (NM_133432.3); c.57779A>G, p.Asn19260Ser (NM_133437.4); short protein forms N25565S, N28133S, N19260S, N26492S, N19068S, N19193S.
Identifiers: ClinVar variation 179686 (VCV000179686.22), dbSNP rs727505053, ClinGen allele CA184934.

ClinVar aggregate classification (germline): Conflicting classifications of pathogenicity. Review status: criteria provided, conflicting classifications (1 of 4 stars). 8 submissions from 8 submitters: Uncertain significance (6); Likely benign (2). Last evaluated 2026-01-20.

Conditions:
Cardiovascular phenotype. Identifiers: MedGen CN230736.
Dilated cardiomyopathy 1G (CMD1G). Identifiers: Orphanet 154, MedGen C1858763, MONDO:0011400, OMIM 604145.
Autosomal recessive limb-girdle muscular dystrophy type 2J (LGMDR10). Also called: Limb-girdle muscular dystrophy, type 2J; MUSCULAR DYSTROPHY, LIMB-GIRDLE, AUTOSOMAL RECESSIVE 10. Identifiers: Orphanet 140922, MedGen C1837342, MONDO:0012127, OMIM 608807.
TTN-related disorder. Also called: TTN-related condition; TTN-related disease; TTN-related disorders.
Tibial muscular dystrophy (TMD). Also called: Udd Distal Myopathy – Tibial Muscular Dystrophy; UDD MYOPATHY; Tibial muscular dystrophy, tardive. Identifiers: Orphanet 609, MedGen C1838244, MONDO:0010870, OMIM 600334.
Myopathy, myofibrillar, 9, with early respiratory failure (MFM9). Also called: Hereditary myopathy with early respiratory failure; EDSTROM MYOPATHY; MYOPATHY, PROXIMAL, WITH EARLY RESPIRATORY MUSCLE INVOLVEMENT; Myopathy, distal, with early respiratory failure, autosomal dominant. Identifiers: Orphanet 178464, Orphanet 34521, MedGen C1863599, MONDO:0011362, OMIM 603689.
Hypertrophic cardiomyopathy 9. Also called: Familial hypertrophic cardiomyopathy 9. Identifiers: MedGen C1861065, MONDO:0013412, OMIM 613765.
Early-onset myopathy with fatal cardiomyopathy (CMYO5). Also called: CONGENITAL MYOPATHY 5 WITH CARDIOMYOPATHY; Salih Myopathy. Identifiers: Orphanet 289377, MedGen C2673677, MONDO:0012714, OMIM 611705. Disease mechanism: loss of function.

Allele frequency attached by ClinVar (database versions not stated): gnomAD exomes below 0.00001; ExAC 0.00001; gnomAD 0.00001.
gnomAD v4.1: 16 of 1,612,308 alleles (0.00099%); highest among the groups gnomAD compares: Middle Eastern, 0.016%; no homozygotes.

Submissions (8):

PreventionGenetics, part of Exact Sciences
Classification: Uncertain significance for TTN-related condition. Last evaluated: 2026-01-20. Review status: criteria provided, single submitter. Criteria: ACMG Guidelines, 2015. Collection method: clinical testing. Allele origin: germline.
Comment: The TTN c.84398A>G variant is predicted to result in the amino acid substitution p.Asn28133Ser. To our knowledge, this variant has not been reported in the literature. This variant is reported in 0.010% of alleles in individuals of East Asian descent in gnomAD. At this time, the clinical significance of this variant is uncertain due to the absence of conclusive functional and genetic evidence.

Revvity Omics, Revvity
Classification: Uncertain significance. Last evaluated: 2024-10-18. Review status: criteria provided, single submitter. Criteria: ACMG Guidelines, 2015. Collection method: clinical testing. Allele origin: germline.

Blueprint Genetics
Classification: Likely benign. Last evaluated: 2024-05-08. Review status: criteria provided, single submitter. Criteria: ACMG Guidelines, 2015. Collection method: clinical testing. Allele origin: germline.

Ambry Genetics
Classification: Likely benign for Cardiovascular phenotype. Last evaluated: 2020-03-26. Review status: criteria provided, single submitter. Criteria: Ambry Variant Classification Scheme 2023. Collection method: clinical testing. Allele origin: germline.

ARUP Laboratories, Molecular Genetics and Genomics, ARUP Laboratories
Classification: Uncertain significance. Last evaluated: 2019-03-01. Review status: criteria provided, single submitter. Criteria: ARUP Molecular Germline Variant Investigation Process. Collection method: clinical testing. Allele origin: germline.
Comment: The TTN c.76694A>G; p.Asn25565Ser variant (rs727505053; ClinVar Variation ID: 179686) is rare in the general population (<1% allele frequency in the Genome Aggregation Database) and has not been reported in the medical literature in association with dilated cardiomyopathy (DCM) or other TTN-related disease. The clinical relevance of rare missense variants in this gene, which are identified on average once per individual sequenced in affected populations (Herman 2012), is not well understood. Yet, evidence suggests that the vast majority of such missense variants do not contribute to the clinical outcome of DCM (Begay 2015). Thus, the clinical significance of the p.Asn25565Ser variant cannot be determined with certainty.

Fulgent Genetics
Classification: Uncertain significance for Tibial muscular dystrophy; Myopathy, myofibrillar, 9, with early respiratory failure; Dilated cardiomyopathy 1G; Autosomal recessive limb-girdle muscular dystrophy type 2J; Early-onset myopathy with fatal cardiomyopathy; Hypertrophic cardiomyopathy 9. Last evaluated: 2018-10-31. Review status: criteria provided, single submitter. Criteria: ACMG Guidelines, 2015. Collection method: clinical testing. Allele origin: unknown.

Labcorp Genetics (formerly Invitae), Labcorp
Classification: Uncertain significance for Dilated cardiomyopathy 1G; Autosomal recessive limb-girdle muscular dystrophy type 2J. Last evaluated: 2016-10-31. Review status: criteria provided, single submitter. Criteria: Invitae Variant Classification Sherloc (09022015). Collection method: clinical testing. Allele origin: germline.

Laboratory for Molecular Medicine, Mass General Brigham Personalized Medicine
Classification: Uncertain significance. Last evaluated: 2014-05-01. Review status: criteria provided, single submitter. Criteria: LMM Criteria. Collection method: clinical testing. Allele origin: germline. Observed: 1 variant allele.
Comment: The Asn25565Ser variant in TTN has not been previously reported in individuals w ith cardiomyopathy or in large population studies. Computational prediction tool s and conservation analysis do not provide strong support for or against an impa ct to the protein. In summary, the clinical significance of this variant is unce rtain.